The following is an entry in ClinVar:

ClinVar aggregate classification (germline): Uncertain significance (1 of 4 stars; one submission).

gnomAD v4.1: 8 of 1,613,612 alleles (0.0005%); highest among the groups gnomAD compares: Non-Finnish European, 0.00059%; no homozygotes.

Submission:

GeneDx
Classification: Uncertain significance. Last evaluated: 2023-12-07. Review status: criteria provided, single submitter. Criteria: GeneDx Variant Classification Process June 2021. Collection method: clinical testing. Allele origin: germline. Affected: yes.
Comment: Has not been previously published as pathogenic or benign to our knowledge; Not observed at significant frequency in large population cohorts (gnomAD); In silico analysis supports that this missense variant has a deleterious effect on protein structure/function

NM_001374353.1(GLI2):c.700T>C (p.Ser234Pro)

Gene: GLI2 (GLI family zinc finger 2; plus strand). Cytogenetic location: 2q14.2.
Variant type: single nucleotide variant.
Coding change: c.700T>C on transcript NM_001374353.1 (MANE Select); coding-DNA position 700, T replaced by C.
Protein change: p.Ser234Pro; replaces serine 234 with proline.
Molecular consequence: missense variant.
Genome position (GRCh38, 1-based): chr2:120,968,770, T>C. VCF-style: chr2-120968770-T-C. GRCh37 (hg19) VCF-style: chr2-121726346-T-C.
Other names: c.700T>C, p.Ser234Pro (NM_001371271.1, NM_005270.5); c.325T>C, p.Ser109Pro (NM_001374354.1); short protein forms S109P, S234P.
Identifiers: ClinVar variation 3252388 (VCV003252388.1), dbSNP rs1163351470.